The following is an entry in ClinVar:

ClinVar aggregate classification (germline): Pathogenic/Likely pathogenic. Review status: criteria provided, multiple submitters, no conflicts (2 of 4 stars). 3 submissions from 3 submitters: Pathogenic (2); Likely pathogenic (1). Last evaluated 2025-02-14.

Conditions:
Cystic fibrosis (CF). Also called: MUCOVISCIDOSIS. Identifiers: Orphanet 586, MedGen C0010674, MONDO:0009061, OMIM 219700. Disease mechanism: loss of function.

gnomAD v4.1: 2 of 1,575,816 alleles (0.00013%); highest among the groups gnomAD compares: South Asian, 0.0011%; no homozygotes.

Submissions (3):

Ambry Genetics
Classification: Pathogenic for Cystic fibrosis. Last evaluated: 2025-02-14. Review status: criteria provided, single submitter. Criteria: Ambry Variant Classification Scheme 2023. Collection method: clinical testing. Allele origin: germline.
Comment: The p.Y380* pathogenic mutation (also known as c.1140T>A), located in coding exon 9 of the CFTR gene, results from a T to A substitution at nucleotide position 1140. This changes the amino acid from a tyrosine to a stop codon within coding exon 9. This alteration is expected to result in loss of function by premature protein truncation or nonsense-mediated mRNA decay. As such, this alteration is interpreted as a disease-causing mutation.

Labcorp Genetics (formerly Invitae), Labcorp
Classification: Pathogenic for Cystic fibrosis. Last evaluated: 2023-10-25. Review status: criteria provided, single submitter. Criteria: Invitae Variant Classification Sherloc (09022015). Collection method: clinical testing. Allele origin: germline.
Comment: This sequence change creates a premature translational stop signal (p.Tyr380*) in the CFTR gene. It is expected to result in an absent or disrupted protein product. Loss-of-function variants in CFTR are known to be pathogenic (PMID: 1695717, 7691345, 9725922). This variant is present in population databases (no rsID available, gnomAD 0.003%). This variant has not been reported in the literature in individuals affected with CFTR-related conditions. For these reasons, this variant has been classified as Pathogenic.

Neuberg Centre For Genomic Medicine, NCGM
Classification: Likely pathogenic for Cystic fibrosis. Review status: criteria provided, single submitter. Criteria: ACMG Guidelines, 2015. Collection method: clinical testing. Allele origin: germline. Inheritance: Autosomal recessive inheritance. Affected: yes.
Comment: The stop gained p.Y380* in CFTR (NM_000492.4) has not been reported previously as a pathogenic variant nor as a benign variant, to our knowledge. The p.Y380* variant is observed in 1/30,576 (0.0033%) alleles from individuals of South Asian background in gnomAD Exomes and is novel (not in any individuals) in 1000 Genomes. This variant is predicted to cause loss of normal protein function through protein truncation. For these reasons, this variant has been classified as Likely Pathogenic.

Literature cited by the submitters: PubMed 1695717 (cited by Labcorp Genetics (formerly Invitae), Labcorp); PubMed 7691345 (cited by Labcorp Genetics (formerly Invitae), Labcorp); PubMed 9725922 (cited by Labcorp Genetics (formerly Invitae), Labcorp).

NM_000492.4(CFTR):c.1140T>A (p.Tyr380Ter)

Gene: CFTR (CF transmembrane conductance regulator; plus strand). Cytogenetic location: 7q31.2.
Variant type: single nucleotide variant.
Coding change: c.1140T>A on transcript NM_000492.4 (MANE Select); coding-DNA position 1140, T replaced by A.
Protein change: p.Tyr380Ter; replaces tyrosine 380 with a stop codon.
Molecular consequence: nonsense.
Genome position (GRCh38, 1-based): chr7:117,542,039, T>A. VCF-style: chr7-117542039-T-A. GRCh37 (hg19) VCF-style: chr7-117182093-T-A.
Other names: short protein forms Y380*.
Identifiers: ClinVar variation 2627425 (VCV002627425.5), dbSNP rs1236277028, ClinGen allele CA368979907.
Genomic context (GRCh38, chr7:117,542,039, plus strand): 5'-GATTCTATAATATGTTTTTGCTCTCTTTTATAAATAGGATTTCTTACAAAAGCAAGAATA[T>A]AAGACATTGGAATATAACTTAACGACTACAGAAGTAGTGATGGAGAATGTAACAGCCTTC-3'